The following is an entry in ClinVar:

NM_002471.4(MYH6):c.3251+11_3251+12insAAGAAGTAGGAGACTGCTTTTTTTCATTCCCGTTGTTATGGAGGGCCACATCTGCCAGAGCCTGGAGTCTGCGAAGGCCGGGACCCGGTTCCCCGGCCCACAGNNNNNNNNNNAAAAAAAAAAAAAAAAAAAA

Gene: MYH6 (myosin heavy chain 6; minus strand). Cytogenetic location: 14q11.2.
Variant type: Insertion.
Coding change: c.3251+11_3251+12insAAGAAGTAGGAGACTGCTTTTTTTCATTCCCGTTGTTATGGAGGGCCACATCTGCCAGAGCCTGGAGTCTGCGAAGGCCGGGACCCGGTTCCCCGGCCCACAGNNNNNNNNNNAAAAAAAAAAAAAAAAAAAA on transcript NM_002471.4 (MANE Select); bases 11 to 12 of the intron after coding-DNA position 3251, AAGAAGTAGGAGACTGCTTTTTTTCATTCCCGTTGTTATGGAGGGCCACATCTGCCAGAGCCTGGAGTCTGCGAAGGCCGGGACCCGGTTCCCCGGCCCACAGNNNNNNNNNNAAAAAAAAAAAAAAAAAAAA inserted.
Molecular consequence: splice donor variant.
Genome position: GRCh38: chr14:23,392,916-23,392,917. GRCh37 (hg19): chr14:23,862,125-23,862,126.
Identifiers: ClinVar variation 1431164 (VCV001431164.6), dbSNP rs2138597251.

ClinVar aggregate classification (germline): Uncertain significance (1 of 4 stars; one submission).

Conditions:
Hypertrophic cardiomyopathy 14. Identifiers: MedGen C2750467, MONDO:0013197, OMIM 613251.

Submission:

Labcorp Genetics (formerly Invitae), Labcorp
Classification: Uncertain significance for Hypertrophic cardiomyopathy 14. Last evaluated: 2021-08-04. Review status: criteria provided, single submitter. Criteria: Invitae Variant Classification Sherloc (09022015). Collection method: clinical testing. Allele origin: germline.
Comment: This sequence change falls in intron 24 of the MYH6 gene. It does not directly change the encoded amino acid sequence of the MYH6 protein. This variant is not present in population databases (ExAC no frequency). This variant has not been reported in the literature in individuals affected with MYH6-related conditions. Algorithms developed to predict the effect of sequence changes on RNA splicing suggest that this variant may create or strengthen a splice site. In summary, the available evidence is currently insufficient to determine the role of this variant in disease. Therefore, it has been classified as a Variant of Uncertain Significance.